The following is an entry in ClinVar:

NM_000503.6(EYA1):c.755C>T (p.Thr252Ile)

Gene: EYA1 (EYA transcriptional coactivator and phosphatase 1; minus strand). Cytogenetic location: 8q13.3.
Variant type: single nucleotide variant.
Coding change: c.755C>T on transcript NM_000503.6 (MANE Select); coding-DNA position 755, C replaced by T.
Protein change: p.Thr252Ile; replaces threonine 252 with isoleucine.
Molecular consequence: missense variant.
Genome position (GRCh38, 1-based): chr8:71,299,118, G>A on the plus strand (C>T on the coding strand, the complement: EYA1 is on the minus strand). VCF-style: chr8-71299118-G-A. GRCh37 (hg19) VCF-style: chr8-72211353-G-A.
Other names: c.737C>T, p.Thr246Ile (NM_001288574.2); c.389C>T, p.Thr130Ile (NM_001288575.2); c.842C>T, p.Thr281Ile (NM_001370333.1); c.755C>T, p.Thr252Ile (NM_001370334.1, NM_001370335.1, NM_172058.4); c.824C>T, p.Thr275Ile (NM_001370336.1); c.656C>T, p.Thr219Ile (NM_001411797.1, NM_172060.4); c.827C>T, p.Thr276Ile (NM_172059.5); c.755C>T (NM_172058.3); short protein forms T219I, T276I, T281I, T275I, T130I, T246I, T252I.
Identifiers: ClinVar variation 2964664 (VCV002964664.4), dbSNP rs376238434, ClinGen allele CA4779674.

ClinVar aggregate classification (germline): Uncertain significance. Review status: criteria provided, single submitter (1 of 4 stars). 2 submissions from 2 submitters: Uncertain significance (1). 1 of the submissions does not count toward it. Last evaluated 2023-04-15.

Conditions:
Melnick-Fraser syndrome (BOR). Also called: Branchio-oto-renal syndrome; Branchiootorenal syndrome; Branchiootorenal Syndrome (BORS). Identifiers: Orphanet 107, MedGen C0265234, MONDO:0007029.
EYA1-related disorder. Also called: EYA1-related condition.

Allele frequency attached by ClinVar (database versions not stated): ExAC 0.00001; gnomAD exomes 0.00001; gnomAD 0.00002; TOPMed 0.00002; ESP Exome Variant Server 0.00008.
gnomAD v4.1: 26 of 1,614,034 alleles (0.0016%); highest among the groups gnomAD compares: Non-Finnish European, 0.002%; no homozygotes.

Submissions (2):

Labcorp Genetics (formerly Invitae), Labcorp
Classification: Uncertain significance for Melnick-Fraser syndrome. Last evaluated: 2023-04-15. Review status: criteria provided, single submitter. Criteria: Invitae Variant Classification Sherloc (09022015). Collection method: clinical testing. Allele origin: germline.
Comment: In summary, the available evidence is currently insufficient to determine the role of this variant in disease. Therefore, it has been classified as a Variant of Uncertain Significance. Advanced modeling of protein sequence and biophysical properties (such as structural, functional, and spatial information, amino acid conservation, physicochemical variation, residue mobility, and thermodynamic stability) performed at Invitae indicates that this missense variant is not expected to disrupt EYA1 protein function. This variant has not been reported in the literature in individuals affected with EYA1-related conditions. This variant is present in population databases (rs376238434, gnomAD 0.002%). This sequence change replaces threonine, which is neutral and polar, with isoleucine, which is neutral and non-polar, at codon 252 of the EYA1 protein (p.Thr252Ile).

PreventionGenetics, part of Exact Sciences
Classification: Uncertain significance for EYA1-related condition. Last evaluated: 2024-05-30. Review status: no assertion criteria provided. Collection method: clinical testing. Allele origin: germline. Not counted in ClinVar's aggregate classification.
Comment: The EYA1 c.755C>T variant is predicted to result in the amino acid substitution p.Thr252Ile. To our knowledge, this variant has not been reported in the literature. This variant is reported in 0.0015% of alleles in individuals of European (Non-Finnish) descent in gnomAD. At this time, the clinical significance of this variant is uncertain due to the absence of conclusive functional and genetic evidence.